The following is an entry in ClinVar:

ClinVar aggregate classification (germline): Uncertain significance (1 of 4 stars; one submission).

Conditions:
Charcot-Marie-Tooth disease type 4A. Also called: Charcot-Marie-Tooth disease, demyelinating, autosomal recessive, type 4a. Identifiers: Orphanet 99948, MedGen C1859198, MONDO:0008961, OMIM 214400.

Allele frequency attached by ClinVar (database versions not stated): TOPMed below 0.00001; gnomAD 0.00001; gnomAD exomes 0.00001.
gnomAD v4.1: 15 of 1,602,596 alleles (0.00094%); highest among the groups gnomAD compares: Admixed American, 0.0017%; no homozygotes.

Submission:

Labcorp Genetics (formerly Invitae), Labcorp
Classification: Uncertain significance for Charcot-Marie-Tooth disease type 4A. Last evaluated: 2023-12-27. Review status: criteria provided, single submitter. Criteria: Invitae Variant Classification Sherloc (09022015). Collection method: clinical testing. Allele origin: germline.
Comment: This sequence change falls in intron 2 of the GDAP1 gene. It does not directly change the encoded amino acid sequence of the GDAP1 protein. It affects a nucleotide within the consensus splice site. This variant is not present in population databases (gnomAD no frequency). This variant has not been reported in the literature in individuals affected with GDAP1-related conditions. Variants that disrupt the consensus splice site are a relatively common cause of aberrant splicing (PMID: 17576681, 9536098). Algorithms developed to predict the effect of sequence changes on RNA splicing suggest that this variant is not likely to affect RNA splicing. In summary, the available evidence is currently insufficient to determine the role of this variant in disease. Therefore, it has been classified as a Variant of Uncertain Significance.

Literature cited by the submitters: PubMed 17576681; PubMed 9536098.

NM_018972.4(GDAP1):c.310+5T>C

Gene: GDAP1 (ganglioside induced differentiation associated protein 1; plus strand). Cytogenetic location: 8q21.11.
Variant type: single nucleotide variant.
Coding change: c.310+5T>C on transcript NM_018972.4 (MANE Select); 5 bases into the intron after coding-DNA position 310, T replaced by C.
Molecular consequence: intron variant.
Genome position (GRCh38, 1-based): chr8:74,351,471, T>C. VCF-style: chr8-74351471-T-C. GRCh37 (hg19) VCF-style: chr8-75263706-T-C.
Other names: c.310+5T>C (NM_001362931.2, NM_001362930.2); c.-18+150T>C (NM_001362929.2); c.-18+893T>C (NM_001362932.2); c.106+5T>C (NM_001040875.4).
Identifiers: ClinVar variation 2994670 (VCV002994670.3), dbSNP rs1158338028, ClinGen allele CA855192000.